The following is an entry in ClinVar:

NM_001079559.3(HNRNPUL2):c.144_164dup (p.Gly55_Ala56insGlyGlyAlaGlyProGlyGly)

Genes: HNRNPUL2 (heterogeneous nuclear ribonucleoprotein U like 2; minus strand), HNRNPUL2-BSCL2 (HNRNPUL2-BSCL2 readthrough (NMD candidate); minus strand), LOC130005850 (ATAC-STARR-seq lymphoblastoid silent region 3427; plus strand). Cytogenetic location: 11q12.3.
Variant type: Duplication.
Coding change: c.144_164dup on transcript NM_001079559.3 (MANE Select); coding-DNA positions 144 to 164, 21 bases duplicated (CGGCGGGGCCGGGCCCGGCGG).
Protein change: p.Gly55_Ala56insGlyGlyAlaGlyProGlyGly.
Molecular consequence: non-coding transcript variant (on NR_037946.1).
Genome position (GRCh38, 1-based): chr11:62,726,993-62,727,013, CCGCCGGGCCCGGCCCCGCCG duplicated on the plus strand (CGGCGGGGCCGGGCCCGGCGG on the coding strand, the reverse complement: HNRNPUL2 is on the minus strand); duplicating any 21 consecutive bases within chr11:62,726,993-62,727,020 gives the same sequence; the c. name uses the placement nearest the transcript's 3' end. VCF-style (leftmost placement, unchanged base first): chr11-62726992-C-CCCGCCGGGCCCGGCCCCGCCG. GRCh37 (hg19) VCF-style: chr11-62494464-C-CCCGCCGGGCCCGGCCCCGCCG.
Identifiers: ClinVar variation 3041079 (VCV003041079.3), dbSNP rs1209396514, ClinGen allele CA475135047.

ClinVar aggregate classification (germline): Benign. Review status: criteria provided, single submitter (1 of 4 stars). 2 submissions from 2 submitters: Benign (1). 1 of the submissions does not count toward it. Last evaluated 2025-02-16.

Conditions:
HNRNPUL2-related disorder. Also called: HNRNPUL2-related condition.

Submissions (2):

Laboratory of Genetics, Children's Clinical University Hospital Latvia
Classification: Benign. Last evaluated: 2025-02-16. Review status: criteria provided, single submitter. Criteria: ACMG Guidelines, 2015. Collection method: clinical testing. Allele origin: germline. Affected: yes.

PreventionGenetics, part of Exact Sciences
Classification: Likely benign for HNRNPUL2-related condition. Last evaluated: 2022-05-20. Review status: no assertion criteria provided. Collection method: clinical testing. Allele origin: germline. Not counted in ClinVar's aggregate classification.
Comment: This variant is classified as likely benign based on ACMG/AMP sequence variant interpretation guidelines (Richards et al. 2015 PMID: 25741868, with internal and published modifications).